The following is an entry in ClinVar:

ClinVar aggregate classification (germline): Likely pathogenic (0 of 4 stars; one submission).

Conditions:
Myoclonic dystonia 26. Identifiers: MedGen C4225341, MONDO:0014620, OMIM 616398.

Submission:

Department of Developmental Neurology, Medical University of Gdansk
Classification: Likely pathogenic for Myoclonic dystonia 26. Last evaluated: 2026-03-09. Review status: no assertion criteria provided. Collection method: clinical testing. Allele origin: de novo. Inheritance: Autosomal dominant inheritance. Affected: yes. Observed: 1 variant allele, 1 heterozygote.
Comment: According to ACMG criteria, the variant was classified as likely pathogenic (8 points - when the de novo status was considered). Bioinformatic prediction supported this classification (CCRS 99.12; AlphaMissense 1.0; phyloP100 7.96; REVEL 0.79; CADD 26). The variant was not reported in the GnomAD database (v. 4.1.0).

NM_001282684.2(KCTD17):c.461T>A (p.Met154Lys)

Gene: KCTD17 (potassium channel tetramerization domain containing 17; plus strand). Cytogenetic location: 22q12.3.
Variant type: single nucleotide variant.
Coding change: c.461T>A on transcript NM_001282684.2 (MANE Select); coding-DNA position 461, T replaced by A.
Protein change: p.Met154Lys; replaces methionine 154 with lysine.
Molecular consequence: missense variant.
Genome position (GRCh38, 1-based): chr22:37,057,468, T>A. VCF-style: chr22-37057468-T-A. GRCh37 (hg19) VCF-style: chr22-37453508-T-A.
Other names: c.461T>A, p.Met154Lys (NM_001282685.2, NM_001282686.2, NM_024681.4); short protein forms M154K.
Identifiers: ClinVar variation 4813647 (VCV004813647.1).